The following is an entry in ClinVar:

NM_001943.5(DSG2):c.45G>A (p.Leu15=)

Genes: DSG2 (desmoglein 2; plus strand), LOC130062340 (ATAC-STARR-seq lymphoblastoid silent region 9384; plus strand). Cytogenetic location: 18q12.1.
Variant type: single nucleotide variant.
Coding change: c.45G>A on transcript NM_001943.5 (MANE Select); coding-DNA position 45, G replaced by A.
Protein change: p.Leu15=; no amino-acid change (leucine 15 retained).
Molecular consequence: synonymous variant.
Genome position (GRCh38, 1-based): chr18:31,498,296, G>A. VCF-style: chr18-31498296-G-A. GRCh37 (hg19) VCF-style: chr18-29078259-G-A.
Identifiers: ClinVar variation 2625494 (VCV002625494.6), dbSNP rs1303092705, ClinGen allele CA503595796.
Genomic context (GRCh38, chr18:31,498,296, plus strand): 5'-CGGAGGCGAGGGTGCGATGGCGCGGAGCCCGGGACGCGCGTACGCCCTGCTGCTTCTCCT[G>A]GTAAGTGCCGCAAGCGGGACAGGGGAGCCACCGCCGGGGAGGGCGTCGGTAGGCGAGGTC-3'
Protein context (NP_001934.2, residues 5-25): PGRAYALLLL[Leu15=]ICFNVGSGLH

ClinVar aggregate classification (germline): Conflicting classifications of pathogenicity. Review status: criteria provided, conflicting classifications (1 of 4 stars). 4 submissions from 4 submitters: Uncertain significance (2); Likely benign (2). Last evaluated 2025-06-30.

Conditions:
Arrhythmogenic right ventricular dysplasia 10. Also called: ARRHYTHMOGENIC RIGHT VENTRICULAR DYSPLASIA, FAMILIAL, 10; Arrhythmogenic Right Ventricular Dysplasia/Cardiomyopathy10; Arrhythmogenic right ventricular dysplasia/cardiomyopathy, type 10. Identifiers: MedGen C1857777, MONDO:0012434, OMIM 610193.
Cardiomyopathy (CMYO). Also called: Cardiomyopathies. Identifiers: Orphanet 167848, MedGen C0878544, MONDO:0004994, HP:0001638. Inheritance: Various modes of inheritance.
Arrhythmogenic right ventricular cardiomyopathy (ARVD). Also called: Arrhythmogenic right ventricular dysplasia; Cardiomyopathy, ARVC; Arrhythmogenic cardiomyopathy; Arrhythmogenic Right Ventricular Cardiomyopathy (ARVC). Identifiers: Orphanet 247, MedGen C0349788, MeSH D019571, MONDO:0016587. Disease mechanism: loss of function. Inheritance: Various modes of inheritance.
Cardiovascular phenotype. Identifiers: MedGen CN230736.

Allele frequency attached by ClinVar (database versions not stated): gnomAD exomes below 0.00001; TOPMed below 0.00001; gnomAD 0.00001.
gnomAD v4.1: 3 of 1,263,840 alleles (0.00024%); highest among the groups gnomAD compares: Non-Finnish European, 0.0003%; no homozygotes.

Submissions (4):

Color Diagnostics, LLC DBA Color Health
Classification: Likely benign for Cardiomyopathy. Last evaluated: 2025-06-30. Review status: criteria provided, single submitter. Criteria: ACMG Guidelines, 2015. Collection method: clinical testing. Allele origin: germline.

Labcorp Genetics (formerly Invitae), Labcorp
Classification: Uncertain significance for Arrhythmogenic right ventricular dysplasia 10. Last evaluated: 2024-11-10. Review status: criteria provided, single submitter. Criteria: Invitae Variant Classification Sherloc (09022015). Collection method: clinical testing. Allele origin: germline.
Comment: This sequence change affects codon 15 of the DSG2 mRNA. It is a 'silent' change, meaning that it does not change the encoded amino acid sequence of the DSG2 protein. This variant also falls at the last nucleotide of exon 1, which is part of the consensus splice site for this exon. This variant is not present in population databases (gnomAD no frequency). This variant has not been reported in the literature in individuals affected with DSG2-related conditions. ClinVar contains an entry for this variant (Variation ID: 2625494). Variants that disrupt the consensus splice site are a relatively common cause of aberrant splicing (PMID: 17576681, 9536098). Algorithms developed to predict the effect of sequence changes on RNA splicing suggest that this variant is not likely to affect RNA splicing. In summary, the available evidence is currently insufficient to determine the role of this variant in disease. Therefore, it has been classified as a Variant of Uncertain Significance.

Ambry Genetics
Classification: Likely benign for Cardiovascular phenotype. Last evaluated: 2023-06-22. Review status: criteria provided, single submitter. Criteria: Ambry Variant Classification Scheme 2023. Collection method: clinical testing. Allele origin: germline.

All of Us Research Program, National Institutes of Health
Classification: Uncertain significance for Arrhythmogenic right ventricular cardiomyopathy. Last evaluated: 2023-02-24. Review status: criteria provided, single submitter. Criteria: ACMG Guidelines, 2015. Collection method: clinical testing. Allele origin: germline. Inheritance: Autosomal dominant inheritance. Observed: 1 variant allele, 1 heterozygote.
Comment: This variant is located in the DSG2 protein. To our knowledge, functional studies have not been reported for this variant. This variant has not been reported in individuals affected with DSG2-related disorders in the literature. This variant has not been identified in the general population by the Genome Aggregation Database (gnomAD). The available evidence is insufficient to determine the role of this variant in disease conclusively. Therefore, this variant is classified as a Variant of Uncertain Significance.

This study involves interpretation of variants in research participants for the purpose of population health screening. Participant phenotype was not available at the time of variant classification. Additional details can be found in publication PMID: 35346344, PMCID: PMC8962531

Literature cited by the submitters: PubMed 17576681 (cited by Labcorp Genetics (formerly Invitae), Labcorp); PubMed 9536098 (cited by Labcorp Genetics (formerly Invitae), Labcorp).